The following is an entry in ClinVar:

NM_002506.3(NGF):c.133G>A (p.Asp45Asn)

Genes: NGF (nerve growth factor; minus strand), NGF-AS1 (NGF antisense RNA 1; plus strand). Cytogenetic location: 1p13.2.
Variant type: single nucleotide variant.
Coding change: c.133G>A on transcript NM_002506.3 (MANE Select); coding-DNA position 133, G replaced by A.
Protein change: p.Asp45Asn; replaces aspartic acid 45 with asparagine.
Molecular consequence: missense variant.
Genome position (GRCh38, 1-based): chr1:115,286,663, C>T on the plus strand (G>A on the coding strand, the complement: NGF is on the minus strand). VCF-style: chr1-115286663-C-T. GRCh37 (hg19) VCF-style: chr1-115829284-C-T.
Other names: short protein forms D45N.
Identifiers: ClinVar variation 456625 (VCV000456625.11), dbSNP rs1553234811, ClinGen allele CA341837166.

ClinVar aggregate classification (germline): Uncertain significance. Review status: criteria provided, multiple submitters, no conflicts (2 of 4 stars). 4 submissions from 4 submitters: Uncertain significance (4). Last evaluated 2025-01-10.

Conditions:
Inborn genetic diseases. Identifiers: MedGen C0950123, MeSH D030342.
Congenital sensory neuropathy with selective loss of small myelinated fibers (HSAN5). Also called: HSAN Type V. Identifiers: Orphanet 64752, MedGen C0020075, MONDO:0012092, OMIM 608654.

gnomAD v4.1: 1 of 1,614,226 alleles (0.000062%); highest among the groups gnomAD compares: Non-Finnish European, 0.000085%; no homozygotes.

Submissions (4):

ARUP Laboratories, Molecular Genetics and Genomics, ARUP Laboratories
Classification: Uncertain significance for Congenital sensory neuropathy with selective loss of small myelinated fibers. Last evaluated: 2025-01-10. Review status: criteria provided, single submitter. Criteria: ARUP Molecular Germline Variant Investigation Process 2024. Collection method: clinical testing. Allele origin: germline.
Comment: The NGF c.133G>A; p.Asp45Asn variant (rs1553234811), to our knowledge, is not reported in the medical literature but is reported in ClinVar (Variation ID: 456625). This variant is absent from the Genome Aggregation Database (v2.1.1), indicating it is not a common polymorphism. Computational analyses are uncertain whether this variant is neutral or deleterious (REVEL: 0.15). Due to limited information, the clinical significance of this variant is uncertain at this time.

Genome-Nilou Lab
Classification: Uncertain significance for Congenital sensory neuropathy with selective loss of small myelinated fibers. Last evaluated: 2023-04-11. Review status: criteria provided, single submitter. Criteria: ACMG Guidelines, 2015. Collection method: clinical testing. Allele origin: germline. Affected: no.

Ambry Genetics
Classification: Uncertain significance for Inborn genetic diseases. Last evaluated: 2020-11-02. Review status: criteria provided, single submitter. Criteria: Ambry Variant Classification Scheme 2023. Collection method: clinical testing. Allele origin: germline.
Comment: The p.D45N variant (also known as c.133G>A), located in coding exon 1 of the NGF gene, results from a G to A substitution at nucleotide position 133. The aspartic acid at codon 45 is replaced by asparagine, an amino acid with highly similar properties. This amino acid position is well conserved in available vertebrate species. In addition, this alteration is predicted to be tolerated by in silico analysis. Since supporting evidence is limited at this time, the clinical significance of this alteration remains unclear.

Labcorp Genetics (formerly Invitae), Labcorp
Classification: Uncertain significance for Congenital sensory neuropathy with selective loss of small myelinated fibers. Last evaluated: 2018-09-15. Review status: criteria provided, single submitter. Criteria: Invitae Variant Classification Sherloc (09022015). Collection method: clinical testing. Allele origin: germline.
Comment: In summary, this variant is a novel missense change that is not predicted to affect protein function. There is no indication that it causes disease, but the available evidence is currently insufficient to prove that conclusively. Therefore, it has been classified as a Variant of Uncertain Significance. Algorithms developed to predict the effect of missense changes on protein structure and function (SIFT, PolyPhen-2, Align-GVGD) all suggest that this variant is likely to be tolerated, but these predictions have not been confirmed by published functional studies. This variant is not present in population databases (ExAC no frequency) and has not been reported in the literature in individuals with an NGF-related disease. This sequence change replaces aspartic acid with asparagine at codon 45 of the NGF protein (p.Asp45Asn). The aspartic acid residue is moderately conserved and there is a small physicochemical difference between aspartic acid and asparagine.